The following is an entry in ClinVar:

NM_014714.4(IFT140):c.3226G>A (p.Glu1076Lys)

Gene: IFT140 (intraflagellar transport 140; minus strand). Cytogenetic location: 16p13.3.
Variant type: single nucleotide variant.
Coding change: c.3226G>A on transcript NM_014714.4 (MANE Select); coding-DNA position 3226, G replaced by A.
Protein change: p.Glu1076Lys; replaces glutamic acid 1076 with lysine.
Molecular consequence: missense variant.
Genome position (GRCh38, 1-based): chr16:1,523,872, C>T on the plus strand (G>A on the coding strand, the complement: IFT140 is on the minus strand). VCF-style: chr16-1523872-C-T. GRCh37 (hg19) VCF-style: chr16-1573873-C-T.
Other names: short protein forms E1076K.
Identifiers: ClinVar variation 858494 (VCV000858494.9), dbSNP rs773620301, ClinGen allele CA7813251.

ClinVar aggregate classification (germline): Uncertain significance (1 of 4 stars; one submission).

Conditions:
Saldino-Mainzer syndrome (SRTD9). Also called: SHORT-RIB THORACIC DYSPLASIA 9 WITHOUT POLYDACTYLY; Renal dysplasia, retinal pigmentary dystrophy, cerebellar ataxia and skeletal dysplasia; short-rib thoracic dysplasia 9 with or without polydactyly; CONORENAL SYNDROME. Identifiers: Orphanet 140969, MedGen C1849437, MONDO:0009964, OMIM 266920.

Allele frequency attached by ClinVar (database versions not stated): TOPMed below 0.00001; ExAC 0.00001; gnomAD 0.00001; gnomAD exomes 0.00001.
gnomAD v4.1: 6 of 1,613,466 alleles (0.00037%); highest among the groups gnomAD compares: Non-Finnish European, 0.00051%; no homozygotes.

Submission:

Labcorp Genetics (formerly Invitae), Labcorp
Classification: Uncertain significance for Saldino-Mainzer syndrome. Last evaluated: 2025-10-20. Review status: criteria provided, single submitter. Criteria: Invitae Variant Classification Sherloc (09022015). Collection method: clinical testing. Allele origin: germline.
Comment: This sequence change replaces glutamic acid, which is acidic and polar, with lysine, which is basic and polar, at codon 1076 of the IFT140 protein (p.Glu1076Lys). This variant is present in population databases (rs773620301, gnomAD 0.003%). This variant has not been reported in the literature in individuals affected with IFT140-related conditions. ClinVar contains an entry for this variant (Variation ID: 858494). Invitae Evidence Modeling of protein sequence and biophysical properties (such as structural, functional, and spatial information, amino acid conservation, physicochemical variation, residue mobility, and thermodynamic stability) indicates that this missense variant is not expected to disrupt IFT140 protein function with a negative predictive value of 95%. In summary, the available evidence is currently insufficient to determine the role of this variant in disease. Therefore, it has been classified as a Variant of Uncertain Significance.